The following is an entry in ClinVar:

NM_182925.5(FLT4):c.3419C>G (p.Ala1140Gly)

Gene: FLT4 (fms related receptor tyrosine kinase 4; minus strand). Cytogenetic location: 5q35.3.
Variant type: single nucleotide variant.
Coding change: c.3419C>G on transcript NM_182925.5 (MANE Select); coding-DNA position 3419, C replaced by G.
Protein change: p.Ala1140Gly; replaces alanine 1140 with glycine.
Molecular consequence: missense variant.
Genome position (GRCh38, 1-based): chr5:180,613,023, G>C on the plus strand (C>G on the coding strand, the complement: FLT4 is on the minus strand). VCF-style: chr5-180613023-G-C. GRCh37 (hg19) VCF-style: chr5-180040023-G-C.
Other names: c.3419C>G, p.Ala1140Gly (NM_001354989.2, NM_002020.5); short protein forms A1140G.
Identifiers: ClinVar variation 5018567 (VCV005018567.2).

ClinVar aggregate classification (germline): Uncertain significance (1 of 4 stars; one submission).

Conditions:
Congenital heart defects, multiple types, 7. Identifiers: MedGen C5394062, MONDO:0032913, OMIM 618780.
Hereditary lymphedema type I (LMPHM1). Also called: Nonne-Milroy disease; Congenital hereditary lymphedema; Early onset lymphedema; Hereditary lymphedema 1; Primary congenital lymphedema; Meige's disease. Identifiers: Orphanet 79452, MedGen C1704423, MONDO:0007919, OMIM 153100.
Capillary infantile hemangioma. Also called: HEMANGIOMA, HEREDITARY CAPILLARY; Hereditary capillary infantile hemangioma; Hemangioma, capillary infantile, somatic. Identifiers: MedGen C1865871, MONDO:0011191, OMIM 602089.

Submission:

Juno Genomics, Hangzhou Juno Genomics, Inc
Classification: Uncertain significance for Congenital heart defects, multiple types, 7; Capillary infantile hemangioma; Hereditary lymphedema type I. Review status: criteria provided, single submitter. Criteria: ACMG Guidelines, 2015. Collection method: clinical testing. Allele origin: germline.
Comment: Absent from controls (or at extremely low frequency if recessive) in Genome Aggregation Database.;Multiple lines of computational evidence support a deleterious effect on the gene or gene product.